The following is an entry in ClinVar:

NM_000038.6(APC):c.2094_2095dup (p.Trp699fs)

Gene: APC (APC regulator of Wnt signaling pathway; plus strand). Cytogenetic location: 5q22.2.
Variant type: Duplication.
Coding change: c.2094_2095dup on transcript NM_000038.6 (MANE Select); coding-DNA positions 2094 to 2095, 2 bases duplicated (AT; older notation c.2094_2095dupAT).
Protein change: p.Trp699fs; shifts the reading frame from tryptophan 699.
Molecular consequence: frameshift variant.
Genome position (GRCh38, 1-based): chr5:112,837,688-112,837,689, AT duplicated; duplicating any 2 consecutive bases within chr5:112,837,687-112,837,689 gives the same sequence; the c. name uses the placement nearest the transcript's 3' end. VCF-style (leftmost placement, unchanged base first): chr5-112837686-T-TTA. GRCh37 (hg19) VCF-style: chr5-112173383-T-TTA.
Other names: c.2094_2095dup, p.Trp699fs (NM_001127510.3, NM_001354895.2); c.2040_2041dup, p.Trp681fs (NM_001127511.3); c.2148_2149dup, p.Trp717fs (NM_001354896.2); c.2124_2125dup, p.Trp709fs (NM_001354897.2); c.2019_2020dup, p.Trp674fs (NM_001354898.2); c.2010_2011dup, p.Trp671fs (NM_001354899.2); c.1971_1972dup, p.Trp658fs (NM_001354900.2); c.1917_1918dup, p.Trp640fs (NM_001354901.2); and 16 more; short protein forms W573fs, W658fs, W674fs, W681fs, W598fs, W608fs, W671fs, W640fs.
Identifiers: ClinVar variation 1785766 (VCV001785766.2), dbSNP rs2533396443, ClinGen allele CA2580072411.

ClinVar aggregate classification (germline): Pathogenic (1 of 4 stars; one submission).

Conditions:
Hereditary cancer-predisposing syndrome. Also called: Neoplastic Syndromes, Hereditary; Tumor predisposition; Hereditary Cancer Syndrome; Hereditary neoplastic syndrome. Identifiers: Orphanet 140162, MedGen C0027672, MeSH D009386, MONDO:0015356.

Submission:

Ambry Genetics
Classification: Pathogenic for Hereditary cancer-predisposing syndrome. Last evaluated: 2020-07-10. Review status: criteria provided, single submitter. Criteria: Ambry Variant Classification Scheme 2023. Collection method: clinical testing. Allele origin: germline.
Comment: The c.2094_2095dupAT pathogenic mutation, located in coding exon 15 of the APC gene, results from a duplication of AT at nucleotide position 2094, causing a translational frameshift with a predicted alternate stop codon (p.W699Yfs*20). This alteration is expected to result in loss of function by premature protein truncation or nonsense-mediated mRNA decay. As such, this alteration is interpreted as a disease-causing mutation.